The following is an entry in ClinVar:

NC_000021.8:g.(?_47699887)_(47787074_?)del

Genes: C21orf58 (chromosome 21 open reading frame 58; minus strand), MCM3AP (minichromosome maintenance complex component 3 associated protein; minus strand), PCNT (pericentrin; plus strand), YBEY (ybeY metalloendoribonuclease; plus strand). Cytogenetic location: 21q22.3.
Variant type: Deletion.
Identifiers: ClinVar variation 1456137 (VCV001456137.4).

ClinVar aggregate classification (germline): Pathogenic (1 of 4 stars; one submission).

Submission:

Labcorp Genetics (formerly Invitae), Labcorp
Classification: Pathogenic. Last evaluated: 2021-04-27. Review status: criteria provided, single submitter. Criteria: Invitae Variant Classification Sherloc (09022015). Collection method: clinical testing. Allele origin: germline.
Comment: For these reasons, this variant has been classified as Pathogenic. This variant has not been reported in the literature in individuals with PCNT-related conditions. This variant is a gross deletion of the genomic region encompassing exon(s) 1-15 of the PCNT gene, which includes the initiator codon. The 5' end of this event is unknown as it extends beyond the assayed region for this gene and therefore may encompass additional genes. The 3' boundary is likely confined to intron 15 of the PCNT gene. It is expected to result in an absent or disrupted protein product. Loss-of-function variants in PCNT are known to be pathogenic (PMID: 18174396, 22821869).

Literature cited by the submitters: PubMed 18174396; PubMed 22821869.